The following is an entry in ClinVar:

NM_019066.5(MAGEL2):c.974C>G (p.Pro325Arg)

Gene: MAGEL2 (MAGE family member L2; minus strand). Cytogenetic location: 15q11.2.
Variant type: single nucleotide variant.
Coding change: c.974C>G on transcript NM_019066.5 (MANE Select); coding-DNA position 974, C replaced by G.
Protein change: p.Pro325Arg; replaces proline 325 with arginine.
Molecular consequence: missense variant.
Genome position (GRCh38, 1-based): chr15:23,646,769, G>C on the plus strand (C>G on the coding strand, the complement: MAGEL2 is on the minus strand). VCF-style: chr15-23646769-G-C. GRCh37 (hg19) VCF-style: chr15-23891916-G-C.
Other names: short protein forms P325R.
Identifiers: ClinVar variation 4762756 (VCV004762756.1).
Genomic context (GRCh38, chr15:23,646,769, plus strand): 5'-ATAACTTGAGACTGGATTTGCAGGATCAGAGGCTGAGCCTGCGGGGCCCAAGAAGCCATC[G>C]GCTGTGCAGGTGGGGCCATCGGCTGTGCAGGTGGGGCCGCCGGCTGTGCCATCGGTGCTC-3'
Protein context (NP_061939.3, residues 315-335): PAQPMAPPAQ[Pro325Arg]MASWAPQAQP

ClinVar aggregate classification (germline): Uncertain significance (1 of 4 stars; one submission).

Submission:

Labcorp Genetics (formerly Invitae), Labcorp
Classification: Uncertain significance. Last evaluated: 2025-05-28. Review status: criteria provided, single submitter. Criteria: Invitae Variant Classification Sherloc (09022015). Collection method: clinical testing. Allele origin: germline.
Comment: This sequence change replaces proline, which is neutral and non-polar, with arginine, which is basic and polar, at codon 325 of the MAGEL2 protein (p.Pro325Arg). This variant is not present in population databases (gnomAD no frequency). This variant has not been reported in the literature in individuals affected with MAGEL2-related conditions. Experimental studies and prediction algorithms are not available or were not evaluated, and the functional significance of this variant is currently unknown. In summary, the available evidence is currently insufficient to determine the role of this variant in disease. Therefore, it has been classified as a Variant of Uncertain Significance.